The following is an entry in ClinVar:

NM_002230.4(JUP):c.896A>G (p.Asn299Ser)

Gene: JUP (junction plakoglobin; minus strand). Cytogenetic location: 17q21.2.
Variant type: single nucleotide variant.
Coding change: c.896A>G on transcript NM_002230.4 (MANE Select); coding-DNA position 896, A replaced by G.
Protein change: p.Asn299Ser; replaces asparagine 299 with serine.
Molecular consequence: missense variant.
Genome position (GRCh38, 1-based): chr17:41,767,392, T>C on the plus strand (A>G on the coding strand, the complement: JUP is on the minus strand). VCF-style: chr17-41767392-T-C. GRCh37 (hg19) VCF-style: chr17-39923644-T-C.
Other names: c.896A>G, p.Asn299Ser (NM_001352773.2, NM_001352774.2, NM_001352775.2 and 3 more transcripts); short protein forms N299S.
Identifiers: ClinVar variation 4794250 (VCV004794250.1).

ClinVar aggregate classification (germline): Uncertain significance (1 of 4 stars; one submission).

Conditions:
Arrhythmogenic right ventricular dysplasia 12. Also called: ARRHYTHMOGENIC RIGHT VENTRICULAR DYSPLASIA, FAMILIAL, 12. Identifiers: MedGen C1969081, MONDO:0012684, OMIM 611528.
Naxos disease (NXD). Also called: PALMOPLANTAR KERATODERMA WITH ARRHYTHMOGENIC RIGHT VENTRICULAR CARDIOMYOPATHY AND WOOLLY HAIR; WOOLLY HAIR, PALMOPLANTAR KERATODERMA, AND CARDIAC ABNORMALITIES; CARDIOMYOPATHY, ARRHYTHMOGENIC RIGHT VENTRICULAR, WITH SKIN, HAIR, AND NAIL ABNORMALITIES; KERATOSIS PALMOPLANTARIS WITH ARRHYTHMOGENIC CARDIOMYOPATHY; MAL DE NAXOS. Identifiers: Orphanet 34217, MedGen C1832600, MONDO:0011017, OMIM 601214.

gnomAD v4.1: 1 of 1,614,016 alleles (0.000062%); highest among the groups gnomAD compares: Non-Finnish European, 0.000085%; no homozygotes.

Submission:

Labcorp Genetics (formerly Invitae), Labcorp
Classification: Uncertain significance for Arrhythmogenic right ventricular dysplasia 12; Naxos disease. Last evaluated: 2025-12-23. Review status: criteria provided, single submitter. Criteria: Invitae Variant Classification Sherloc (09022015). Collection method: clinical testing. Allele origin: germline.
Comment: This sequence change replaces asparagine, which is neutral and polar, with serine, which is neutral and polar, at codon 299 of the JUP protein (p.Asn299Ser). This variant is present in population databases (rs781830615, gnomAD 0.006%). This variant has not been reported in the literature in individuals affected with JUP-related conditions. An algorithm developed to predict the effect of missense changes on protein structure and function (PolyPhen-2) suggests that this variant is likely to be disruptive. In summary, the available evidence is currently insufficient to determine the role of this variant in disease. Therefore, it has been classified as a Variant of Uncertain Significance.